The following is an entry in ClinVar:

NM_000090.4(COL3A1):c.2489C>T (p.Pro830Leu)

Gene: COL3A1 (collagen type III alpha 1 chain; plus strand). Cytogenetic location: 2q32.2.
Variant type: single nucleotide variant.
Coding change: c.2489C>T on transcript NM_000090.4 (MANE Select); coding-DNA position 2489, C replaced by T.
Protein change: p.Pro830Leu; replaces proline 830 with leucine.
Molecular consequence: missense variant.
Genome position (GRCh38, 1-based): chr2:189,002,998, C>T. VCF-style: chr2-189002998-C-T. GRCh37 (hg19) VCF-style: chr2-189867724-C-T.
Other names: short protein forms P830L.
Identifiers: ClinVar variation 263573 (VCV000263573.23), dbSNP rs886038849, ClinGen allele CA10587532.

ClinVar aggregate classification (germline): Conflicting classifications of pathogenicity. Review status: criteria provided, conflicting classifications (1 of 4 stars). 6 submissions from 6 submitters: Uncertain significance (5); Likely benign (1). Last evaluated 2026-02-02.

Conditions:
Familial thoracic aortic aneurysm and aortic dissection (TAAD). Also called: Thoracic aortic aneurysms and dissections. Identifiers: Orphanet 91387, MedGen C4707243, MONDO:0019625.
Ehlers-Danlos syndrome, type 4 (EDSVASC). Also called: Ehlers-Danlos syndrome vascular type; Ehlers Danlos syndrome, ecchymotic type; Ehlers Danlos syndrome, arterial type; Ehlers Danlos syndrome, Sack-Barabas type; Ehlers-Danlos Syndrome Type IV. Identifiers: Orphanet 286, MedGen C0268338, MONDO:0017314, OMIM 130050.

Allele frequency attached by ClinVar (database versions not stated): gnomAD exomes 0.00001 and 0.00003; gnomAD 0.00003 and 0.00004; TOPMed 0.00004.
gnomAD v4.1: 48 of 1,551,562 alleles (0.0031%); highest among the groups gnomAD compares: African/African-American, 0.0096%; no homozygotes.

Submissions (6):

Labcorp Genetics (formerly Invitae), Labcorp
Classification: Uncertain significance for Ehlers-Danlos syndrome, type 4. Last evaluated: 2026-02-02. Review status: criteria provided, single submitter. Criteria: Invitae Variant Classification Sherloc (09022015). Collection method: clinical testing. Allele origin: germline.
Comment: This sequence change replaces proline, which is neutral and non-polar, with leucine, which is neutral and non-polar, at codon 830 of the COL3A1 protein (p.Pro830Leu). The frequency data for this variant in the population databases is considered unreliable, as metrics indicate poor data quality at this position in the gnomAD database. This missense change has been observed in individual(s) with aortic dissection (PMID: 33282382). ClinVar contains an entry for this variant (Variation ID: 263573). Invitae Evidence Modeling of protein sequence and biophysical properties (such as structural, functional, and spatial information, amino acid conservation, physicochemical variation, residue mobility, and thermodynamic stability) indicates that this missense variant is not expected to disrupt COL3A1 protein function with a negative predictive value of 95%. In summary, the available evidence is currently insufficient to determine the role of this variant in disease. Therefore, it has been classified as a Variant of Uncertain Significance.

All of Us Research Program, National Institutes of Health
Classification: Uncertain significance for Ehlers-Danlos syndrome, type 4. Last evaluated: 2024-09-23. Review status: criteria provided, single submitter. Criteria: ACMG Guidelines, 2015. Collection method: clinical testing. Allele origin: germline. Inheritance: Autosomal dominant inheritance. Observed: 10 variant alleles, 10 heterozygotes.
Comment: This missense variant replaces proline with leucine at codon 830 of the COL3A1 protein. Computational prediction tools and conservation analyses suggest that this variant may have deleterious impact on the protein function. Computational splicing tools suggest that this variant may not impact RNA splicing. To our knowledge, functional assays have not been performed for this variant nor has this variant been reported in individuals affected with cardiovascular disorders in the literature. This variant has been identified in 2/156726 chromosomes in the general population by the Genome Aggregation Database (gnomAD). Available evidence is insufficient to determine the role of this variant in disease conclusively. Therefore, this variant is classified as a Variant of Uncertain Significance.

This study involves interpretation of variants in research participants for the purpose of population health screening. Participant phenotype was not available at the time of variant classification. Additional details can be found in publication PMID: 35346344, PMCID: PMC8962531

Women's Health and Genetics/Laboratory Corporation of America, LabCorp
Classification: Uncertain significance. Last evaluated: 2024-07-15. Review status: criteria provided, single submitter. Criteria: LabCorp Variant Classification Summary - May 2015. Collection method: clinical testing. Allele origin: germline.
Comment: Variant summary: COL3A1 c.2489C>T (p.Pro830Leu) results in a non-conservative amino acid change in the encoded protein sequence. Three of five in-silico tools predict a damaging effect of the variant on protein function. The variant allele was found at a frequency of 3.1e-05 in 1551562 control chromosomes. This frequency is not significantly higher than estimated for a pathogenic variant in COL3A1 causing Polymicrogyria With Or Without Vascular-Type Ehlers-Danlos Syndrome, allowing no conclusion about variant significance. c.2489C>T has been reported in the literature in an individual affected with Acute Stanford type B aortic dissection, without strong evidence for causality (Erhart_2020). These report(s) do not provide unequivocal conclusions about association of the variant with Polymicrogyria With Or Without Vascular-Type Ehlers-Danlos Syndrome. To our knowledge, no experimental evidence demonstrating an impact on protein function has been reported. The following publication have been ascertained in the context of this evaluation (PMID: 33282382). ClinVar contains an entry for this variant (Variation ID: 263573). Based on the evidence outlined above, the variant was classified as uncertain significance.

Color Diagnostics, LLC DBA Color Health
Classification: Uncertain significance for Familial thoracic aortic aneurysm and aortic dissection. Last evaluated: 2023-11-29. Review status: criteria provided, single submitter. Criteria: ACMG Guidelines, 2015. Collection method: clinical testing. Allele origin: germline.
Comment: This missense variant replaces proline with leucine at codon 830 of the COL3A1 protein. Computational prediction tool indicates that this variant may have a neutral impact on protein structure and function. To our knowledge, functional studies have not been reported for this variant. This variant has been reported in an individual affected with acute Stanford type B aortic dissection (PMID: 33282382). This variant has been identified in 2/156726 chromosomes in the general population by the Genome Aggregation Database (gnomAD). The available evidence is insufficient to determine the role of this variant in disease conclusively. Therefore, this variant is classified as a Variant of Uncertain Significance.

Ambry Genetics
Classification: Likely benign for Familial thoracic aortic aneurysm and aortic dissection. Last evaluated: 2020-04-29. Review status: criteria provided, single submitter. Criteria: Ambry Variant Classification Scheme 2023. Collection method: clinical testing. Allele origin: germline.

GeneDx
Classification: Uncertain significance. Last evaluated: 2020-03-09. Review status: criteria provided, single submitter. Criteria: GeneDx Variant Classification Process June 2021. Collection method: clinical testing. Allele origin: germline. Affected: yes.
Comment: In silico analysis supports that this missense variant has a deleterious effect on protein structure/function; Has not been previously published as pathogenic or benign to our knowledge

Literature cited by the submitters: PubMed 33282382 (cited by 3 submitters).